The following is an entry in ClinVar:

ClinVar aggregate classification (germline): Uncertain significance (1 of 4 stars; one submission).

Conditions:
SMAD6-related disease. Also called: SMAD6-related disorder; SMAD6-related condition. Identifiers: MedGen CN381596, MONDO:0700324.

gnomAD v4.1: 4 of 1,369,454 alleles (0.00029%); highest among the groups gnomAD compares: South Asian, 0.0017%; no homozygotes.

Submission:

PreventionGenetics, part of Exact Sciences
Classification: Uncertain significance for SMAD6-related condition. Last evaluated: 2025-03-13. Review status: criteria provided, single submitter. Criteria: ACMG Guidelines, 2015. Collection method: clinical testing. Allele origin: germline.
Comment: The SMAD6 c.677T>C variant is predicted to result in the amino acid substitution p.Leu226Pro. To our knowledge, this variant has not been reported in the literature or in a large population database (gnomAD), indicating this variant is rare. At this time, the clinical significance of this variant is uncertain due to the absence of conclusive functional and genetic evidence.

NM_005585.5(SMAD6):c.677T>C (p.Leu226Pro)

Gene: SMAD6 (SMAD family member 6; plus strand). Cytogenetic location: 15q22.31.
Variant type: single nucleotide variant.
Coding change: c.677T>C on transcript NM_005585.5 (MANE Select); coding-DNA position 677, T replaced by C.
Protein change: p.Leu226Pro; replaces leucine 226 with proline.
Molecular consequence: missense variant. On other transcripts: non-coding transcript variant (1).
Genome position (GRCh38, 1-based): chr15:66,703,935, T>C. VCF-style: chr15-66703935-T-C. GRCh37 (hg19) VCF-style: chr15-66996273-T-C.
Other names: short protein forms L226P.
Identifiers: ClinVar variation 4979686 (VCV004979686.1).